The following is an entry in ClinVar:

NM_004329.3(BMPR1A):c.294A>G (p.Ser98=)

Gene: BMPR1A (bone morphogenetic protein receptor type 1A; plus strand). Cytogenetic location: 10q23.2.
Variant type: single nucleotide variant.
Coding change: c.294A>G on transcript NM_004329.3 (MANE Select); coding-DNA position 294, A replaced by G.
Protein change: p.Ser98=; no amino-acid change (serine 98 retained).
Molecular consequence: synonymous variant.
Genome position (GRCh38, 1-based): chr10:86,892,190, A>G. VCF-style: chr10-86892190-A-G. GRCh37 (hg19) VCF-style: chr10-88651947-A-G.
Identifiers: ClinVar variation 416807 (VCV000416807.22), dbSNP rs764466269, ClinGen allele CA5585468.
Genomic context (GRCh38, chr10:86,892,190, plus strand): 5'-TAATGGACATTGCTTTGCCATCATAGAAGAAGATGACCAGGGAGAAACCACATTAGCTTC[A>G]GGGTGTATGAAATATGAAGGATCTGATTTTCAGTGCAAAGTAAGATATAATTTGGGACCC-3'
Protein context (NP_004320.2, residues 88-108): EDDQGETTLA[Ser98=]GCMKYEGSDF

ClinVar aggregate classification (germline): Benign/Likely benign. Review status: criteria provided, multiple submitters, no conflicts (2 of 4 stars). 7 submissions from 7 submitters: Benign (1); Likely benign (6). Last evaluated 2025-10-29.

Conditions:
Juvenile polyposis syndrome (JPS). Identifiers: Orphanet 2929, MedGen C0345893, MONDO:0017380, OMIM 174900.
Hereditary cancer-predisposing syndrome. Also called: Tumor predisposition; Neoplastic Syndromes, Hereditary; Hereditary Cancer Syndrome; Hereditary neoplastic syndrome. Identifiers: Orphanet 140162, MedGen C0027672, MeSH D009386, MONDO:0015356.

Allele frequency attached by ClinVar (database versions not stated): gnomAD exomes below 0.00001 and 0.00001; ExAC 0.00002.
gnomAD v4.1: 4 of 1,613,970 alleles (0.00025%); highest among the groups gnomAD compares: Non-Finnish European, 0.00017%; no homozygotes.

Submissions (7):

Labcorp Genetics (formerly Invitae), Labcorp
Classification: Likely benign for Juvenile polyposis syndrome. Last evaluated: 2025-10-29. Review status: criteria provided, single submitter. Criteria: Invitae Variant Classification Sherloc (09022015). Collection method: clinical testing. Allele origin: germline.

Myriad Genetics, Inc.
Classification: Benign for Juvenile polyposis syndrome. Last evaluated: 2024-07-31. Review status: criteria provided, single submitter. Criteria: Myriad Autosomal Dominant, Autosomal Recessive and X-Linked Classification Criteria (2023). Collection method: clinical testing. Allele origin: unknown.
Comment: This variant is considered benign. This variant is a silent/synonymous amino acid change and it is not expected to impact splicing.

All of Us Research Program, National Institutes of Health
Classification: Likely benign for Juvenile polyposis syndrome. Last evaluated: 2023-12-18. Review status: criteria provided, single submitter. Criteria: ACMG Guidelines, 2015. Collection method: clinical testing. Allele origin: germline. Inheritance: Autosomal dominant inheritance. Observed: 1 variant allele, 1 heterozygote.
Comment: This study involves interpretation of variants in research participants for the purpose of population health screening. Participant phenotype was not available at the time of variant classification. Additional details can be found in publication PMID: 35346344, PMCID: PMC8962531

Sema4
Classification: Likely benign for Hereditary cancer-predisposing syndrome. Last evaluated: 2021-12-16. Review status: criteria provided, single submitter. Criteria: Sema4 Curation Guidelines. Collection method: curation. Allele origin: germline.

GeneDx
Classification: Likely benign. Last evaluated: 2021-05-24. Review status: criteria provided, single submitter. Criteria: GeneDx Variant Classification Process June 2021. Collection method: clinical testing. Allele origin: germline. Affected: yes.

Color Diagnostics, LLC DBA Color Health
Classification: Likely benign for Hereditary cancer-predisposing syndrome. Last evaluated: 2021-05-17. Review status: criteria provided, single submitter. Criteria: ACMG Guidelines, 2015. Collection method: clinical testing. Allele origin: germline.

Ambry Genetics
Classification: Likely benign for Hereditary cancer-predisposing syndrome. Last evaluated: 2015-08-14. Review status: criteria provided, single submitter. Criteria: Ambry Variant Classification Scheme 2023. Collection method: clinical testing. Allele origin: germline.